The following is an entry in ClinVar:

NM_001379500.1(COL18A1):c.2434-8C>T

Gene: COL18A1 (collagen type XVIII alpha 1 chain; plus strand). Cytogenetic location: 21q22.3.
Variant type: single nucleotide variant.
Coding change: c.2434-8C>T on transcript NM_001379500.1 (MANE Select); 8 bases into the intron before coding-DNA position 2434, C replaced by T.
Molecular consequence: intron variant.
Genome position (GRCh38, 1-based): chr21:45,495,350, C>T. VCF-style: chr21-45495350-C-T. GRCh37 (hg19) VCF-style: chr21-46915264-C-T.
Other names: c.3679-8C>T (NM_130444.3); c.2974-8C>T (NM_030582.4, NM_030582.3).
Identifiers: ClinVar variation 340246 (VCV000340246.10), dbSNP rs367814420, ClinGen allele CA10067101.

ClinVar aggregate classification (germline): Benign/Likely benign. Review status: criteria provided, multiple submitters, no conflicts (2 of 4 stars). 2 submissions from 2 submitters: Benign (1); Likely benign (1). Last evaluated 2025-11-05.

Conditions:
COL18A1-related disorder. Also called: COL18A1-related condition; COL18A1-related disorders.

Allele frequency attached by ClinVar (database versions not stated): gnomAD 0.00004 and 0.00005; TOPMed 0.00005; gnomAD exomes 0.00007 and 0.00014; ESP Exome Variant Server 0.00016; ExAC 0.00037.
gnomAD v4.1: 109 of 1,604,174 alleles (0.0068%); highest among the groups gnomAD compares: South Asian, 0.052%; 2 homozygotes.

Submissions (2):

Labcorp Genetics (formerly Invitae), Labcorp
Classification: Benign. Last evaluated: 2025-11-05. Review status: criteria provided, single submitter. Criteria: Invitae Variant Classification Sherloc (09022015). Collection method: clinical testing. Allele origin: germline.

PreventionGenetics, part of Exact Sciences
Classification: Likely benign for COL18A1-related condition. Last evaluated: 2025-10-07. Review status: criteria provided, single submitter. Criteria: ACMG Guidelines, 2015. Collection method: clinical testing. Allele origin: germline.
Comment: This variant is classified as likely benign based on ACMG/AMP sequence variant interpretation guidelines (Richards et al. 2015 PMID: 25741868, with internal and published modifications).